The following is an entry in ClinVar:

ClinVar aggregate classification (germline): Conflicting classifications of pathogenicity. Review status: criteria provided, conflicting classifications (1 of 4 stars). 3 submissions from 3 submitters: Uncertain significance (1); Likely benign (2). Last evaluated 2026-07-01.

Conditions:
Cornelia de Lange syndrome 1 (CDLS1). Also called: NIPBL-Related Cornelia de Lange Syndrome; TYPUS DEGENERATIVUS AMSTELODAMENSIS; Brachmann de Lange syndrome. Identifiers: Orphanet 199, MedGen C4551851, MONDO:0007387, OMIM 122470.

Allele frequency attached by ClinVar (database versions not stated): ExAC 0.00002; gnomAD exomes 0.00005 and 0.00017; TOPMed 0.00006; gnomAD 0.00008 and 0.00009.
gnomAD v4.1: 255 of 1,606,298 alleles (0.016%); highest among the groups gnomAD compares: Non-Finnish European, 0.02%; no homozygotes.

Submissions (3):

CeGaT Center for Human Genetics Tuebingen
Classification: Likely benign. Last evaluated: 2026-07-01. Review status: criteria provided, single submitter. Criteria: CeGaT Center For Human Genetics Tuebingen Variant Classification Criteria Version 2. Collection method: clinical testing. Allele origin: germline. Affected: yes. Observed: 1 variant allele.
Comment: NIPBL: BP4, BP7

Labcorp Genetics (formerly Invitae), Labcorp
Classification: Likely benign for Cornelia de Lange syndrome 1. Last evaluated: 2025-10-07. Review status: criteria provided, single submitter. Criteria: Invitae Variant Classification Sherloc (09022015). Collection method: clinical testing. Allele origin: germline.

Illumina Laboratory Services, Illumina
Classification: Uncertain significance for Cornelia de Lange syndrome 1. Last evaluated: 2018-01-12. Review status: criteria provided, single submitter. Criteria: ICSL Variant Classification Criteria 13 December 2019. Collection method: clinical testing. Allele origin: germline.

NM_133433.4(NIPBL):c.4374T>G (p.Thr1458=)

Gene: NIPBL (NIPBL cohesin loading factor; plus strand). Cytogenetic location: 5p13.2.
Variant type: single nucleotide variant.
Coding change: c.4374T>G on transcript NM_133433.4 (MANE Select); coding-DNA position 4374, T replaced by G.
Protein change: p.Thr1458=; no amino-acid change (threonine 1458 retained).
Molecular consequence: synonymous variant.
Genome position (GRCh38, 1-based): chr5:37,008,676, T>G. VCF-style: chr5-37008676-T-G. GRCh37 (hg19) VCF-style: chr5-37008778-T-G.
Other names: c.4374T>G, p.Thr1458= (NM_015384.5).
Identifiers: ClinVar variation 353380 (VCV000353380.9), dbSNP rs749296628, ClinGen allele CA3236545.